The following is an entry in ClinVar:

ClinVar aggregate classification (germline): Uncertain significance (1 of 4 stars; one submission).

Conditions:
Neurofibromatosis, type 2 (SWNV). Also called: BILATERAL ACOUSTIC NEUROFIBROMATOSIS; NF2-Related Schwannomatosis; SCHWANNOMATOSIS, VESTIBULAR. Identifiers: Orphanet 637, MedGen C0027832, MONDO:0007039, OMIM 101000. Disease mechanism: loss of function.

Submission:

Labcorp Genetics (formerly Invitae), Labcorp
Classification: Uncertain significance for Neurofibromatosis, type 2. Last evaluated: 2020-07-21. Review status: criteria provided, single submitter. Criteria: Invitae Variant Classification Sherloc (09022015). Collection method: clinical testing. Allele origin: germline.
Comment: This variant is not present in population databases (ExAC no frequency). This sequence change replaces alanine with serine at codon 403 of the NF2 protein (p.Ala403Ser). The alanine residue is moderately conserved and there is a moderate physicochemical difference between alanine and serine. This variant has not been reported in the literature in individuals with NF2-related conditions. Algorithms developed to predict the effect of missense changes on protein structure and function (SIFT, PolyPhen-2, Align-GVGD) all suggest that this variant is likely to be tolerated, but these predictions have not been confirmed by published functional studies and their clinical significance is uncertain. In summary, the available evidence is currently insufficient to determine the role of this variant in disease. Therefore, it has been classified as a Variant of Uncertain Significance.

NM_000268.4(NF2):c.1207G>T (p.Ala403Ser)

Gene: NF2 (NF2, moesin-ezrin-radixin like (MERLIN) tumor suppressor; plus strand). Cytogenetic location: 22q12.2.
Variant type: single nucleotide variant.
Coding change: c.1207G>T on transcript NM_000268.4 (MANE Select); coding-DNA position 1207, G replaced by T.
Protein change: p.Ala403Ser; replaces alanine 403 with serine.
Molecular consequence: missense variant. On other transcripts: non-coding transcript variant (1), intron variant (1).
Genome position (GRCh38, 1-based): chr22:29,673,353, G>T. VCF-style: chr22-29673353-G-T. GRCh37 (hg19) VCF-style: chr22-30069342-G-T.
Other names: c.1207G>T, p.Ala403Ser (NM_016418.5, NM_181825.3, NM_181832.3); c.1081G>T, p.Ala361Ser (NM_181828.3); c.1084G>T, p.Ala362Ser (NM_181829.3); c.958G>T, p.Ala320Ser (NM_181830.3, NM_181831.3); c.448-21399G>T (NM_181833.3); short protein forms A361S, A362S, A403S, A320S.
Identifiers: ClinVar variation 1047533 (VCV001047533.9), dbSNP rs2066861004, ClinGen allele CA411148156.